The following is an entry in ClinVar:

NM_006904.7(PRKDC):c.2415G>C (p.Leu805Phe)

Gene: PRKDC (protein kinase, DNA-activated, catalytic subunit; minus strand). Cytogenetic location: 8q11.21.
Variant type: single nucleotide variant.
Coding change: c.2415G>C on transcript NM_006904.7 (MANE Select); coding-DNA position 2415, G replaced by C.
Protein change: p.Leu805Phe; replaces leucine 805 with phenylalanine.
Molecular consequence: missense variant.
Genome position (GRCh38, 1-based): chr8:47,927,198, C>G on the plus strand (G>C on the coding strand, the complement: PRKDC is on the minus strand). VCF-style: chr8-47927198-C-G. GRCh37 (hg19) VCF-style: chr8-48839758-C-G.
Other names: c.2415G>C, p.Leu805Phe (NM_001081640.2); short protein forms L805F.
Identifiers: ClinVar variation 1790931 (VCV001790931.2), dbSNP rs770194016, ClinGen allele CA371161642.
Genomic context (GRCh38, chr8:47,927,198, plus strand): 5'-AGTTACTCCATTTCCATTTTAATTACAATACACATCACAATTCTTCTAAACATTACCTGA[C>G]AAGGCTGAAGTCTTCAGGTATCCATCCAGGCAGGGGAGAATGTCTTTGTAATAAGGCTGC-3'
Protein context (NP_008835.5, residues 795-815): CLDGYLKTSA[Leu805Phe]SDETKNNWEV

ClinVar aggregate classification (germline): Uncertain significance (1 of 4 stars; one submission).

Allele frequency attached by ClinVar (database versions not stated): gnomAD 0.00001.
gnomAD v4.1: 1 of 1,613,186 alleles (0.000062%); highest among the groups gnomAD compares: African/African-American, 0.0013%; no homozygotes.

Submission:

Ambry Genetics
Classification: Uncertain significance. Last evaluated: 2022-02-13. Review status: criteria provided, single submitter. Criteria: Ambry Variant Classification Scheme 2023. Collection method: clinical testing. Allele origin: germline.
Comment: The p.L805F variant (also known as c.2415G>C), located in coding exon 21 of the PRKDC gene, results from a G to C substitution at nucleotide position 2415. The leucine at codon 805 is replaced by phenylalanine, an amino acid with highly similar properties. This amino acid position is conserved. In addition, this alteration is predicted to be tolerated by in silico analysis. Since supporting evidence is limited at this time, the clinical significance of this alteration remains unclear.